The following is an entry in ClinVar:

NM_183050.4(BCKDHB):c.952-2A>G

Gene: BCKDHB (branched chain keto acid dehydrogenase E1 subunit beta; plus strand). Cytogenetic location: 6q14.1.
Variant type: single nucleotide variant.
Coding change: c.952-2A>G on transcript NM_183050.4 (MANE Select); the canonical splice acceptor site of the intron before coding-DNA position 952, A replaced by G.
Molecular consequence: splice acceptor variant.
Genome position (GRCh38, 1-based): chr6:80,273,133, A>G. VCF-style: chr6-80273133-A-G. GRCh37 (hg19) VCF-style: chr6-80982850-A-G.
Other names: c.742-2A>G (NM_001318975.1); c.952-2A>G (NM_000056.5, NM_183050.3).
Identifiers: ClinVar variation 550562 (VCV000550562.7), dbSNP rs1554205499, ClinGen allele CA365008741.

ClinVar aggregate classification (germline): Likely pathogenic. Review status: criteria provided, multiple submitters, no conflicts (2 of 4 stars). 3 submissions from 3 submitters: Likely pathogenic (2). 1 of the submissions does not count toward it. Last evaluated 2024-03-21.

Conditions:
Maple syrup urine disease type 1A (MSUD1A). Also called: MSUD type 1A. Identifiers: MedGen C1855369, MONDO:0023691, OMIM 248600.
Maple syrup urine disease (MSUD). Identifiers: Orphanet 511, MedGen C0024776, MeSH D008375, MONDO:0009563. Disease mechanism: loss of function.

Allele frequency attached by ClinVar (database versions not stated): TOPMed below 0.00001.

Submissions (3):

Baylor Genetics
Classification: Likely pathogenic for Maple syrup urine disease type 1A. Last evaluated: 2024-03-21. Review status: criteria provided, single submitter. Criteria: ACMG Guidelines, 2015. Collection method: clinical testing. Allele origin: unknown.

Labcorp Genetics (formerly Invitae), Labcorp
Classification: Likely pathogenic for Maple syrup urine disease. Last evaluated: 2023-08-10. Review status: criteria provided, single submitter. Criteria: Invitae Variant Classification Sherloc (09022015). Collection method: clinical testing. Allele origin: germline.
Comment: This variant has not been reported in the literature in individuals affected with BCKDHB-related conditions. ClinVar contains an entry for this variant (Variation ID: 550562). Algorithms developed to predict the effect of sequence changes on RNA splicing suggest that this variant may disrupt the consensus splice site. In summary, the currently available evidence indicates that the variant is pathogenic, but additional data are needed to prove that conclusively. Therefore, this variant has been classified as Likely Pathogenic. This sequence change affects an acceptor splice site in intron 8 of the BCKDHB gene. It is expected to disrupt RNA splicing. Variants that disrupt the donor or acceptor splice site typically lead to a loss of protein function (PMID: 16199547), and loss-of-function variants in BCKDHB are known to be pathogenic (PMID: 16786533, 22593002). This variant is not present in population databases (gnomAD no frequency).

Counsyl
Classification: Likely pathogenic for Maple syrup urine disease type 1A. Last evaluated: 2017-02-01. Review status: no assertion criteria provided. Collection method: clinical testing. Allele origin: unknown. Not counted in ClinVar's aggregate classification.

Literature cited by the submitters: PubMed 16199547 (cited by Labcorp Genetics (formerly Invitae), Labcorp); PubMed 16786533 (cited by Labcorp Genetics (formerly Invitae), Labcorp); PubMed 22593002 (cited by Labcorp Genetics (formerly Invitae), Labcorp).